The following is an entry in ClinVar:

ClinVar aggregate classification (germline): Conflicting classifications of pathogenicity. Review status: criteria provided, conflicting classifications (1 of 4 stars). 2 submissions from 2 submitters: Uncertain significance (1); Likely benign (1). Last evaluated 2025-03-18.

Conditions:
Inborn genetic diseases. Identifiers: MedGen C0950123, MeSH D030342.

gnomAD v4.1: 1 of 1,614,174 alleles (0.000062%); highest among the groups gnomAD compares: Non-Finnish European, 0.000085%; no homozygotes.

Submissions (2):

Ambry Genetics
Classification: Likely benign for Inborn genetic diseases. Last evaluated: 2025-03-18. Review status: criteria provided, single submitter. Criteria: Ambry Variant Classification Scheme 2023. Collection method: clinical testing. Allele origin: germline.

GeneDx
Classification: Uncertain significance. Last evaluated: 2023-12-06. Review status: criteria provided, single submitter. Criteria: GeneDx Variant Classification Process June 2021. Collection method: clinical testing. Allele origin: germline. Affected: yes.
Comment: Not observed at significant frequency in large population cohorts (gnomAD); In silico analysis supports that this missense variant does not alter protein structure/function; Has not been previously published as pathogenic or benign to our knowledge

NM_014915.3(ANKRD26):c.205A>G (p.Arg69Gly)

Gene: ANKRD26 (ankyrin repeat domain containing 26; minus strand). Cytogenetic location: 10p12.1.
Variant type: single nucleotide variant.
Coding change: c.205A>G on transcript NM_014915.3 (MANE Select); coding-DNA position 205, A replaced by G.
Protein change: p.Arg69Gly; replaces arginine 69 with glycine.
Molecular consequence: missense variant.
Genome position (GRCh38, 1-based): chr10:27,100,122, T>C on the plus strand (A>G on the coding strand, the complement: ANKRD26 is on the minus strand). VCF-style: chr10-27100122-T-C. GRCh37 (hg19) VCF-style: chr10-27389051-T-C.
Other names: c.205A>G, p.Arg69Gly (NM_001256053.2); short protein forms R69G.
Identifiers: ClinVar variation 3252249 (VCV003252249.2), dbSNP rs2056599363.